The following is an entry in ClinVar:

ClinVar aggregate classification (germline): Uncertain significance (1 of 4 stars; one submission).

Submission:

Dasa
Classification: Uncertain significance. Last evaluated: 2026-01-12. Review status: criteria provided, single submitter. Criteria: DASA Assertion Criteria. Collection method: clinical testing. Allele origin: germline.
Comment: NM_015015.3(KDM4B):c.2764G>A (p.Gly922Ser) is a missense variant that results in the substitution of glycine with serine. This variant is rare in population databases. The currently available literature and clinical evidence are not sufficient to establish a definitive association between this variant and the reported condition. Therefore, this variant is classified as a variant of uncertain significance.

NM_015015.3(KDM4B):c.2764G>A (p.Gly922Ser)

Gene: KDM4B (lysine demethylase 4B; plus strand). Cytogenetic location: 19p13.3.
Variant type: single nucleotide variant.
Coding change: c.2764G>A on transcript NM_015015.3 (MANE Select); coding-DNA position 2764, G replaced by A.
Protein change: p.Gly922Ser; replaces glycine 922 with serine.
Molecular consequence: missense variant.
Genome position (GRCh38, 1-based): chr19:5,144,275, G>A. VCF-style: chr19-5144275-G-A. GRCh37 (hg19) VCF-style: chr19-5144286-G-A.
Other names: c.2866G>A, p.Gly956Ser (NM_001411148.1); short protein forms G922S, G956S.
Identifiers: ClinVar variation 4886138 (VCV004886138.2).